The following is an entry in ClinVar:

NM_003242.6(TGFBR2):c.1563G>A (p.Trp521Ter)

Gene: TGFBR2 (transforming growth factor beta receptor 2; plus strand). Cytogenetic location: 3p24.1.
Variant type: single nucleotide variant.
Coding change: c.1563G>A on transcript NM_003242.6 (MANE Select); coding-DNA position 1563, G replaced by A.
Protein change: p.Trp521Ter; replaces tryptophan 521 with a stop codon.
Molecular consequence: nonsense.
Genome position (GRCh38, 1-based): chr3:30,691,458, G>A. VCF-style: chr3-30691458-G-A. GRCh37 (hg19) VCF-style: chr3-30732950-G-A.
Other names: c.1638G>A, p.Trp546Ter (NM_001024847.3); c.1746G>A, p.Trp582Ter (NM_001407126.1); c.1671G>A, p.Trp557Ter (NM_001407127.1); c.1590G>A, p.Trp530Ter (NM_001407128.1); c.1566G>A, p.Trp522Ter (NM_001407129.1); c.1560G>A, p.Trp520Ter (NM_001407130.1); c.1458G>A, p.Trp486Ter (NM_001407132.1, NM_001407133.1, NM_001407134.1 and 2 more transcripts); c.1278G>A, p.Trp426Ter (NM_001407137.1); and 2 more; short protein forms W521*, W546*, W530*, W486*, W231*, W401*, W426*, W557*.
Identifiers: ClinVar variation 487632 (VCV000487632.8), dbSNP rs1553631968, ClinGen allele CA351809564.
Genomic context (GRCh38, chr3:30,691,458, plus strand): 5'-TTGGATCTCTTTCCCGCTACAGGGCATCCAGATGGTGTGTGAGACGTTGACTGAGTGCTG[G>A]GACCACGACCCAGAGGCCCGTCTCACAGCCCAGTGTGTGGCAGAACGCTTCAGTGAGCTG-3'

ClinVar aggregate classification (germline): Pathogenic. Review status: criteria provided, single submitter (1 of 4 stars). 2 submissions from 2 submitters: Pathogenic (1). 1 of the submissions does not count toward it. Last evaluated 2025-09-02.

Conditions:
Familial thoracic aortic aneurysm and aortic dissection (TAAD). Also called: Thoracic aortic aneurysms and dissections. Identifiers: Orphanet 91387, MedGen C4707243, MONDO:0019625.
Wolff-Parkinson-White pattern. Also called: WPW SYNDROME; Auriculoventricular accessory pathway syndrome; False bundle branch block syndrome; Anomalous ventricular excitation syndrome. Identifiers: MedGen C0043202, MONDO:0008685, OMIM 194200, HP:0001716.

Submissions (2):

Labcorp Genetics (formerly Invitae), Labcorp
Classification: Pathogenic for Familial thoracic aortic aneurysm and aortic dissection. Last evaluated: 2025-09-02. Review status: criteria provided, single submitter. Criteria: Invitae Variant Classification Sherloc (09022015). Collection method: clinical testing. Allele origin: germline.
Comment: This sequence change creates a premature translational stop signal (p.Trp521*) in the TGFBR2 gene. While this is not anticipated to result in nonsense mediated decay, it is expected to disrupt the last 47 amino acid(s) of the TGFBR2 protein. This variant is not present in population databases (gnomAD no frequency). This premature translational stop signal has been observed in individual(s) with TGFBR2-related conditions (PMID: 18781618, 27879313, 31211624; internal data). In at least one individual the variant was observed to be de novo. ClinVar contains an entry for this variant (Variation ID: 487632). For these reasons, this variant has been classified as Pathogenic.

Lupski Lab, Baylor-Hopkins CMG, Baylor College of Medicine
Classification: Uncertain significance for Wolff-Parkinson-White pattern. Last evaluated: 2017-07-14. Review status: no assertion criteria provided. Collection method: research. Allele origin: de novo. Affected: yes. Observed: 1 variant allele. Study: Candidate_variants_in_patients_with_ Wolff-Parkinson-White Syndrome. Not counted in ClinVar's aggregate classification.

Literature cited by the submitters: PubMed 18781618 (cited by Labcorp Genetics (formerly Invitae), Labcorp); PubMed 27879313 (cited by Labcorp Genetics (formerly Invitae), Labcorp); PubMed 31211624 (cited by Labcorp Genetics (formerly Invitae), Labcorp).